The following is an entry in ClinVar:

ClinVar aggregate classification (germline): Benign/Likely benign. Review status: criteria provided, multiple submitters, no conflicts (2 of 4 stars). 4 submissions from 4 submitters: Benign (1); Likely benign (3). Last evaluated 2025-01-09.

Conditions:
Hereditary cancer-predisposing syndrome. Also called: Neoplastic Syndromes, Hereditary; Hereditary neoplastic syndrome; Tumor predisposition; Hereditary Cancer Syndrome. Identifiers: Orphanet 140162, MedGen C0027672, MeSH D009386, MONDO:0015356.
Oligodontia-cancer predisposition syndrome. Also called: TOOTH AGENESIS-COLORECTAL CANCER SYNDROME. Identifiers: Orphanet 300576, MedGen C1837750, MONDO:0012075, OMIM 608615. Disease mechanism: loss of function.

Submissions (4):

Ambry Genetics
Classification: Likely benign for Hereditary cancer-predisposing syndrome. Last evaluated: 2025-01-09. Review status: criteria provided, single submitter. Criteria: Ambry Variant Classification Scheme 2023. Collection method: clinical testing. Allele origin: germline.

Myriad Genetics, Inc.
Classification: Benign for Oligodontia-cancer predisposition syndrome. Last evaluated: 2024-07-03. Review status: criteria provided, single submitter. Criteria: Myriad Autosomal Dominant, Autosomal Recessive and X-Linked Classification Criteria (2023). Collection method: clinical testing. Allele origin: unknown.
Comment: This variant is considered benign. This variant is a silent/synonymous amino acid change and it is not expected to impact splicing.

Quest Diagnostics Nichols Institute San Juan Capistrano
Classification: Likely benign. Last evaluated: 2023-05-27. Review status: criteria provided, single submitter. Criteria: Quest Diagnostics criteria. Collection method: clinical testing. Allele origin: unknown.

Labcorp Genetics (formerly Invitae), Labcorp
Classification: Likely benign for Oligodontia-cancer predisposition syndrome. Last evaluated: 2022-05-27. Review status: criteria provided, single submitter. Criteria: Invitae Variant Classification Sherloc (09022015). Collection method: clinical testing. Allele origin: germline.

NM_004655.4(AXIN2):c.1479G>T (p.Ser493=)

Gene: AXIN2 (axin 2; minus strand). Cytogenetic location: 17q24.1.
Variant type: single nucleotide variant.
Coding change: c.1479G>T on transcript NM_004655.4 (MANE Select); coding-DNA position 1479, G replaced by T.
Protein change: p.Ser493=; no amino-acid change (serine 493 retained).
Molecular consequence: synonymous variant.
Genome position (GRCh38, 1-based): chr17:65,537,557, C>A on the plus strand (G>T on the coding strand, the complement: AXIN2 is on the minus strand). VCF-style: chr17-65537557-C-A. GRCh37 (hg19) VCF-style: chr17-63533675-C-A.
Other names: c.1479G>T, p.Ser493= (NM_001363813.1).
Identifiers: ClinVar variation 1999221 (VCV001999221.7), dbSNP rs1057522399, ClinGen allele CA501691554.